The following is an entry in ClinVar:

ClinVar aggregate classification (germline): Uncertain significance. Review status: criteria provided, multiple submitters, no conflicts (2 of 4 stars). 2 submissions from 2 submitters: Uncertain significance (2). Last evaluated 2024-05-07.

Conditions:
Choanal atresia-athelia-hypothyroidism-delayed puberty-short stature syndrome (BCAHH). Also called: BRANCHIAL ARCH ABNORMALITIES, CHOANAL ATRESIA, ATHELIA, HEARING LOSS, AND HYPOTHYROIDISM SYNDROME. Identifiers: Orphanet 589856, MedGen C5680310, MONDO:0035651, OMIM 620186.
Kabuki syndrome 1 (KABUK1). Also called: KMT2D-Related Kabuki Syndrome. Identifiers: Orphanet 2322, MedGen CN030661, MONDO:0007843, OMIM 147920.
Kabuki syndrome. Also called: NIIKAWA-KUROKI SYNDROME; Kabuki make-up syndrome. Identifiers: Orphanet 2322, MedGen C0796004, MONDO:0016512.

Allele frequency attached by ClinVar (database versions not stated): TOPMed below 0.00001; gnomAD 0.00001.
gnomAD v4.1: 1 of 1,613,640 alleles (0.000062%); highest among the groups gnomAD compares: Non-Finnish European, 0.000085%; no homozygotes.

Submissions (2):

Fulgent Genetics
Classification: Uncertain significance for Kabuki syndrome 1; Choanal atresia-athelia-hypothyroidism-delayed puberty-short stature syndrome. Last evaluated: 2024-05-07. Review status: criteria provided, single submitter. Criteria: ACMG Guidelines, 2015. Collection method: clinical testing. Allele origin: germline.

Labcorp Genetics (formerly Invitae), Labcorp
Classification: Uncertain significance for Kabuki syndrome. Last evaluated: 2023-02-09. Review status: criteria provided, single submitter. Criteria: Invitae Variant Classification Sherloc (09022015). Collection method: clinical testing. Allele origin: germline.
Comment: This sequence change replaces valine, which is neutral and non-polar, with phenylalanine, which is neutral and non-polar, at codon 4188 of the KMT2D protein (p.Val4188Phe). This variant is not present in population databases (gnomAD no frequency). This variant has not been reported in the literature in individuals affected with KMT2D-related conditions. Advanced modeling of protein sequence and biophysical properties (such as structural, functional, and spatial information, amino acid conservation, physicochemical variation, residue mobility, and thermodynamic stability) performed at Invitae indicates that this missense variant is not expected to disrupt KMT2D protein function. In summary, the available evidence is currently insufficient to determine the role of this variant in disease. Therefore, it has been classified as a Variant of Uncertain Significance.

NM_003482.4(KMT2D):c.12562G>T (p.Val4188Phe)

Gene: KMT2D (lysine methyltransferase 2D; minus strand). Cytogenetic location: 12q13.12.
Variant type: single nucleotide variant.
Coding change: c.12562G>T on transcript NM_003482.4 (MANE Select); coding-DNA position 12562, G replaced by T.
Protein change: p.Val4188Phe; replaces valine 4188 with phenylalanine.
Molecular consequence: missense variant.
Genome position (GRCh38, 1-based): chr12:49,032,143, C>A on the plus strand (G>T on the coding strand, the complement: KMT2D is on the minus strand). VCF-style: chr12-49032143-C-A. GRCh37 (hg19) VCF-style: chr12-49425926-C-A.
Other names: short protein forms V4188F.
Identifiers: ClinVar variation 2710612 (VCV002710612.4), dbSNP rs1254610311, ClinGen allele CA384710809.